The following is an entry in ClinVar:

ClinVar aggregate classification (germline): Uncertain significance (1 of 4 stars; one submission).

Conditions:
Congenital myasthenic syndrome 9. Also called: Myasthenic syndrome, congenital, 9, associated with acetylcholine receptor deficiency. Identifiers: Orphanet 590, MedGen C4225368, MONDO:0014587, OMIM 616325.
Fetal akinesia deformation sequence 1 (FADS1). Also called: Fetal akinesia sequence; Pena-Shokeir syndrome type I. Identifiers: Orphanet 994, MedGen C1276035, MONDO:0100101, OMIM 208150, HP:0001989.

gnomAD v4.1: 8 of 1,613,860 alleles (0.0005%); highest among the groups gnomAD compares: Non-Finnish European, 0.00068%; no homozygotes.

Submission:

Labcorp Genetics (formerly Invitae), Labcorp
Classification: Uncertain significance for Congenital myasthenic syndrome 9; Fetal akinesia deformation sequence 1. Last evaluated: 2021-08-26. Review status: criteria provided, single submitter. Criteria: Invitae Variant Classification Sherloc (09022015). Collection method: clinical testing. Allele origin: germline.
Comment: This sequence change replaces isoleucine with threonine at codon 283 of the MUSK protein (p.Ile283Thr). The isoleucine residue is highly conserved and there is a moderate physicochemical difference between isoleucine and threonine. This variant is not present in population databases (ExAC no frequency). This variant has not been reported in the literature in individuals affected with MUSK-related conditions. Algorithms developed to predict the effect of missense changes on protein structure and function (SIFT, PolyPhen-2, Align-GVGD) all suggest that this variant is likely to be disruptive. In summary, the available evidence is currently insufficient to determine the role of this variant in disease. Therefore, it has been classified as a Variant of Uncertain Significance.

NM_005592.4(MUSK):c.848T>C (p.Ile283Thr)

Gene: MUSK (muscle associated receptor tyrosine kinase; plus strand). Cytogenetic location: 9q31.3.
Variant type: single nucleotide variant.
Coding change: c.848T>C on transcript NM_005592.4 (MANE Select); coding-DNA position 848, T replaced by C.
Protein change: p.Ile283Thr; replaces isoleucine 283 with threonine.
Molecular consequence: missense variant. On other transcripts: 5 prime UTR variant (1).
Genome position (GRCh38, 1-based): chr9:110,747,735, T>C. VCF-style: chr9-110747735-T-C. GRCh37 (hg19) VCF-style: chr9-113510015-T-C.
Other names: c.878T>C, p.Ile293Thr (NM_001166280.2); c.848T>C, p.Ile283Thr (NM_001166281.2); c.-389T>C (NM_001369398.1); short protein forms I283T, I293T.
Identifiers: ClinVar variation 1003833 (VCV001003833.6), dbSNP rs2077193041, ClinGen allele CA374668336.